The following is an entry in ClinVar:

NM_001606.5(ABCA2):c.2307C>T (p.Thr769=)

Gene: ABCA2 (ATP binding cassette subfamily A member 2; minus strand). Cytogenetic location: 9q34.3.
Variant type: single nucleotide variant.
Coding change: c.2307C>T on transcript NM_001606.5 (MANE Select); coding-DNA position 2307, C replaced by T.
Protein change: p.Thr769=; no amino-acid change (threonine 769 retained).
Molecular consequence: synonymous variant.
Genome position (GRCh38, 1-based): chr9:137,017,597, G>A on the plus strand (C>T on the coding strand, the complement: ABCA2 is on the minus strand). VCF-style: chr9-137017597-G-A. GRCh37 (hg19) VCF-style: chr9-139912049-G-A.
Other names: c.2304C>T, p.Thr768= (NM_001411042.1); c.2397C>T, p.Thr799= (NM_212533.3).
Identifiers: ClinVar variation 2659782 (VCV002659782.24), dbSNP rs200994843, ClinGen allele CA5355134.

ClinVar aggregate classification (germline): Likely benign (1 of 4 stars; one submission).

Allele frequency attached by ClinVar (database versions not stated): gnomAD exomes 0.00003; ExAC 0.00009; 1000 Genomes Project 30x 0.00031; 1000 Genomes Project 0.00040; gnomAD 0.00049; TOPMed 0.00049; ESP Exome Variant Server 0.00062.
gnomAD v4.1: 124 of 1,612,762 alleles (0.0077%); highest among the groups gnomAD compares: African/African-American, 0.14%; 1 homozygote.

Submission:

CeGaT Center for Human Genetics Tuebingen
Classification: Likely benign. Last evaluated: 2022-07-01. Review status: criteria provided, single submitter. Criteria: CeGaT Center For Human Genetics Tuebingen Variant Classification Criteria Version 2. Collection method: clinical testing. Allele origin: germline. Affected: yes. Observed: 1 variant allele.
Comment: ABCA2: BP4, BP7